The following is an entry in ClinVar:

NM_000037.4(ANK1):c.1831A>T (p.Lys611Ter)

Gene: ANK1 (ankyrin 1; minus strand). Cytogenetic location: 8p11.21.
Variant type: single nucleotide variant.
Coding change: c.1831A>T on transcript NM_000037.4 (MANE Select); coding-DNA position 1831, A replaced by T.
Protein change: p.Lys611Ter; replaces lysine 611 with a stop codon.
Molecular consequence: nonsense.
Genome position (GRCh38, 1-based): chr8:41,708,945, T>A on the plus strand (A>T on the coding strand, the complement: ANK1 is on the minus strand). VCF-style: chr8-41708945-T-A. GRCh37 (hg19) VCF-style: chr8-41566463-T-A.
Other names: c.1930A>T, p.Lys644Ter (NM_001142446.2); c.1831A>T, p.Lys611Ter (NM_020475.3, NM_020476.3, NM_020477.3); short protein forms K611*, K644*.
Identifiers: ClinVar variation 4685685 (VCV004685685.1).

ClinVar aggregate classification (germline): Likely pathogenic (1 of 4 stars; one submission).

Conditions:
Hereditary spherocytosis type 1. Also called: Spherocytosis type 1; ANK1-Related Spherocytosis. Identifiers: Orphanet 822, MedGen C2674218, MONDO:0008447, OMIM 182900.

Submission:

ARUP Laboratories, Molecular Genetics and Genomics, ARUP Laboratories
Classification: Likely pathogenic for Hereditary spherocytosis type 1. Last evaluated: 2024-12-13. Review status: criteria provided, single submitter. Criteria: ARUP Molecular Germline Variant Investigation Process 2024. Collection method: clinical testing. Allele origin: germline.
Comment: The ANK1 c.1831A>T; p.Lys611Ter variant, to our knowledge, is not reported in the medical literature or gene specific databases. This variant is also absent from the Genome Aggregation Database (v2.1.1), indicating it is not a common polymorphism. This variant induces an early termination codon and is predicted to result in a truncated protein or mRNA subject to nonsense-mediated decay. Based on available information, this variant is considered to be likely pathogenic.